The following is an entry in ClinVar:

NM_001369.3(DNAH5):c.2719G>A (p.Val907Ile)

Genes: DNAH5 (dynein axonemal heavy chain 5; minus strand), DNAH5-AS1 (DNAH5 antisense RNA 1; plus strand). Cytogenetic location: 5p15.2.
Variant type: single nucleotide variant.
Coding change: c.2719G>A on transcript NM_001369.3 (MANE Select); coding-DNA position 2719, G replaced by A.
Protein change: p.Val907Ile; replaces valine 907 with isoleucine.
Molecular consequence: missense variant.
Genome position (GRCh38, 1-based): chr5:13,885,988, C>T on the plus strand (G>A on the coding strand, the complement: DNAH5 is on the minus strand). VCF-style: chr5-13885988-C-T. GRCh37 (hg19) VCF-style: chr5-13886097-C-T.
Other names: short protein forms V907I.
Identifiers: ClinVar variation 906053 (VCV000906053.11), dbSNP rs1772373275, ClinGen allele CA359196127.

ClinVar aggregate classification (germline): Uncertain significance. Review status: criteria provided, multiple submitters, no conflicts (2 of 4 stars). 3 submissions from 3 submitters: Uncertain significance (3). Last evaluated 2022-03-04.

Conditions:
Primary ciliary dyskinesia. Also called: Ciliary dyskinesia. Identifiers: Orphanet 244, MedGen C0008780, MONDO:0016575, HP:0012265.
Primary ciliary dyskinesia 3. Identifiers: Orphanet 244, MedGen C1837618, MONDO:0012085, OMIM 608644.

Allele frequency attached by ClinVar (database versions not stated): gnomAD exomes below 0.00001.
gnomAD v4.1: 5 of 1,612,926 alleles (0.00031%); highest among the groups gnomAD compares: South Asian, 0.0011%; no homozygotes.

Submissions (3):

Fulgent Genetics
Classification: Uncertain significance for Primary ciliary dyskinesia 3. Last evaluated: 2022-03-04. Review status: criteria provided, single submitter. Criteria: ACMG Guidelines, 2015. Collection method: clinical testing. Allele origin: unknown.

Labcorp Genetics (formerly Invitae), Labcorp
Classification: Uncertain significance for Primary ciliary dyskinesia. Last evaluated: 2021-08-31. Review status: criteria provided, single submitter. Criteria: Invitae Variant Classification Sherloc (09022015). Collection method: clinical testing. Allele origin: germline.
Comment: This sequence change replaces valine with isoleucine at codon 907 of the DNAH5 protein (p.Val907Ile). The valine residue is weakly conserved and there is a small physicochemical difference between valine and isoleucine. This variant is not present in population databases (ExAC no frequency). This variant has not been reported in the literature in individuals affected with DNAH5-related conditions. Algorithms developed to predict the effect of missense changes on protein structure and function output the following: SIFT: "Tolerated"; PolyPhen-2: "Benign"; Align-GVGD: "Class C0". The isoleucine amino acid residue is found in multiple mammalian species, which suggests that this missense change does not adversely affect protein function. In summary, the available evidence is currently insufficient to determine the role of this variant in disease. Therefore, it has been classified as a Variant of Uncertain Significance.

Illumina Laboratory Services, Illumina
Classification: Uncertain significance for Primary ciliary dyskinesia 3. Last evaluated: 2018-01-13. Review status: criteria provided, single submitter. Criteria: ICSL Variant Classification Criteria 13 December 2019. Collection method: clinical testing. Allele origin: germline.